The following is an entry in ClinVar:

NM_001005242.3(PKP2):c.749G>T (p.Arg250Leu)

Gene: PKP2 (plakophilin 2; minus strand). Cytogenetic location: 12p11.21.
Variant type: single nucleotide variant.
Coding change: c.749G>T on transcript NM_001005242.3 (MANE Select); coding-DNA position 749, G replaced by T.
Protein change: p.Arg250Leu; replaces arginine 250 with leucine.
Molecular consequence: missense variant.
Genome position (GRCh38, 1-based): chr12:32,878,131, C>A on the plus strand (G>T on the coding strand, the complement: PKP2 is on the minus strand). VCF-style: chr12-32878131-C-A. GRCh37 (hg19) VCF-style: chr12-33031065-C-A.
Other names: c.749G>T, p.Arg250Leu (NM_004572.4); short protein forms R250L.
Identifiers: ClinVar variation 573245 (VCV000573245.16), dbSNP rs369332786, ClinGen allele CA038633.

ClinVar aggregate classification (germline): Uncertain significance. Review status: criteria provided, multiple submitters, no conflicts (2 of 4 stars). 5 submissions from 5 submitters: Uncertain significance (5). Last evaluated 2025-03-11.

Conditions:
Cardiovascular phenotype. Identifiers: MedGen CN230736.
Cardiomyopathy (CMYO). Also called: Cardiomyopathies. Identifiers: Orphanet 167848, MedGen C0878544, MONDO:0004994, HP:0001638. Inheritance: Various modes of inheritance.
Arrhythmogenic right ventricular cardiomyopathy (ARVD). Also called: Arrhythmogenic cardiomyopathy; Arrhythmogenic Right Ventricular Cardiomyopathy (ARVC); Cardiomyopathy, ARVC; Arrhythmogenic right ventricular dysplasia. Identifiers: Orphanet 247, MedGen C0349788, MeSH D019571, MONDO:0016587. Disease mechanism: loss of function. Inheritance: Various modes of inheritance.
Arrhythmogenic right ventricular dysplasia 9 (ARVD9). Also called: Arrhythmogenic Right Ventricular Dysplasia/Cardiomyopathy 9; ARRHYTHMOGENIC RIGHT VENTRICULAR DYSPLASIA, FAMILIAL, 9. Identifiers: MedGen C1836906, MONDO:0012180, OMIM 609040.

Allele frequency attached by ClinVar (database versions not stated): ExAC 0.00001; TOPMed 0.00001; ESP Exome Variant Server 0.00008.
gnomAD v4.1: 5 of 1,614,098 alleles (0.00031%); highest among the groups gnomAD compares: Non-Finnish European, 0.00042%; no homozygotes.

Submissions (5):

Labcorp Genetics (formerly Invitae), Labcorp
Classification: Uncertain significance for Arrhythmogenic right ventricular dysplasia 9. Last evaluated: 2025-03-11. Review status: criteria provided, single submitter. Criteria: Invitae Variant Classification Sherloc (09022015). Collection method: clinical testing. Allele origin: germline.
Comment: This sequence change replaces arginine, which is basic and polar, with leucine, which is neutral and non-polar, at codon 250 of the PKP2 protein (p.Arg250Leu). This variant is present in population databases (rs369332786, gnomAD 0.0009%). This variant has not been reported in the literature in individuals affected with PKP2-related conditions. ClinVar contains an entry for this variant (Variation ID: 573245). An algorithm developed to predict the effect of missense changes on protein structure and function (PolyPhen-2) suggests that this variant is likely to be tolerated. In summary, the available evidence is currently insufficient to determine the role of this variant in disease. Therefore, it has been classified as a Variant of Uncertain Significance.

Ambry Genetics
Classification: Uncertain significance for Cardiovascular phenotype. Last evaluated: 2024-11-26. Review status: criteria provided, single submitter. Criteria: Ambry Variant Classification Scheme 2023. Collection method: clinical testing. Allele origin: germline.
Comment: The p.R250L variant (also known as c.749G>T), located in coding exon 3 of the PKP2 gene, results from a G to T substitution at nucleotide position 749. The arginine at codon 250 is replaced by leucine, an amino acid with dissimilar properties. This amino acid position is conserved. In addition, this alteration is predicted to be tolerated by in silico analysis. Since supporting evidence is limited at this time, the clinical significance of this alteration remains unclear.

All of Us Research Program, National Institutes of Health
Classification: Uncertain significance for Arrhythmogenic right ventricular cardiomyopathy. Last evaluated: 2024-05-14. Review status: criteria provided, single submitter. Criteria: ACMG Guidelines, 2015. Collection method: clinical testing. Allele origin: germline. Inheritance: Autosomal dominant inheritance. Observed: 2 variant alleles, 2 heterozygotes.
Comment: This missense variant replaces arginine with leucine at codon 250 of the PKP2 protein. Computational prediction suggests that this variant may not impact protein structure and function (internally defined REVEL score threshold <= 0.5, PMID: 27666373). To our knowledge, functional studies have not been reported for this variant. This variant has not been reported in individuals affected with PKP2-related disorders in the literature. This variant has been identified in 1/251032 chromosomes in the general population by the Genome Aggregation Database (gnomAD). The available evidence is insufficient to determine the role of this variant in disease conclusively. Therefore, this variant is classified as a Variant of Uncertain Significance.

This study involves interpretation of variants in research participants for the purpose of population health screening. Participant phenotype was not available at the time of variant classification. Additional details can be found in publication PMID: 35346344, PMCID: PMC8962531

Color Diagnostics, LLC DBA Color Health
Classification: Uncertain significance for Cardiomyopathy. Last evaluated: 2024-04-23. Review status: criteria provided, single submitter. Criteria: ACMG Guidelines, 2015. Collection method: clinical testing. Allele origin: germline.
Comment: This missense variant replaces arginine with leucine at codon 250 of the PKP2 protein. Computational prediction suggests that this variant may not impact protein structure and function. To our knowledge, functional studies have not been reported for this variant. This variant has not been reported in individuals affected with PKP2-related disorders in the literature. This variant has been identified in 1/251032 chromosomes in the general population by the Genome Aggregation Database (gnomAD). The available evidence is insufficient to determine the role of this variant in disease conclusively. Therefore, this variant is classified as a Variant of Uncertain Significance.

Fulgent Genetics
Classification: Uncertain significance for Arrhythmogenic right ventricular dysplasia 9. Last evaluated: 2021-09-09. Review status: criteria provided, single submitter. Criteria: ACMG Guidelines, 2015. Collection method: clinical testing. Allele origin: unknown.